The following is an entry in ClinVar:

ClinVar aggregate classification (germline): Uncertain significance (1 of 4 stars; one submission).

Allele frequency attached by ClinVar (database versions not stated): gnomAD 0.00001; gnomAD exomes 0.00001; TOPMed 0.00002; 1000 Genomes Project 30x 0.00016; 1000 Genomes Project 0.00020.
gnomAD v4.1: 11 of 1,536,740 alleles (0.00072%); highest among the groups gnomAD compares: Middle Eastern, 0.017%; no homozygotes.

Submission:

Labcorp Genetics (formerly Invitae), Labcorp
Classification: Uncertain significance. Last evaluated: 2021-07-10. Review status: criteria provided, single submitter. Criteria: Invitae Variant Classification Sherloc (09022015). Collection method: clinical testing. Allele origin: germline.
Comment: Algorithms developed to predict the effect of missense changes on protein structure and function are either unavailable or do not agree on the potential impact of this missense change (SIFT: "Deleterious"; PolyPhen-2: "Benign"; Align-GVGD: "Class C15"). This sequence change replaces serine with leucine at codon 487 of the FAM20C protein (p.Ser487Leu). The serine residue is highly conserved and there is a large physicochemical difference between serine and leucine. This variant is not present in population databases (ExAC no frequency). This variant has not been reported in the literature in individuals affected with FAM20C-related conditions. In summary, the available evidence is currently insufficient to determine the role of this variant in disease. Therefore, it has been classified as a Variant of Uncertain Significance.

NM_020223.4(FAM20C):c.1460C>T (p.Ser487Leu)

Gene: FAM20C (FAM20C golgi associated secretory pathway kinase; plus strand). Cytogenetic location: 7p22.3.
Variant type: single nucleotide variant.
Coding change: c.1460C>T on transcript NM_020223.4 (MANE Select); coding-DNA position 1460, C replaced by T.
Protein change: p.Ser487Leu; replaces serine 487 with leucine.
Molecular consequence: missense variant.
Genome position (GRCh38, 1-based): chr7:258,660, C>T. VCF-style: chr7-258660-C-T. GRCh37 (hg19) VCF-style: chr7-298626-C-T.
Other names: short protein forms S487L.
Identifiers: ClinVar variation 1518414 (VCV001518414.8), dbSNP rs536323098, ClinGen allele CA152286617.